The following is an entry in ClinVar:

NM_002972.4(SBF1):c.1979C>T (p.Pro660Leu)

Gene: SBF1 (SET binding factor 1; minus strand). Cytogenetic location: 22q13.33.
Variant type: single nucleotide variant.
Coding change: c.1979C>T on transcript NM_002972.4 (MANE Select); coding-DNA position 1979, C replaced by T.
Protein change: p.Pro660Leu; replaces proline 660 with leucine.
Molecular consequence: missense variant.
Genome position (GRCh38, 1-based): chr22:50,462,707, G>A on the plus strand (C>T on the coding strand, the complement: SBF1 is on the minus strand). VCF-style: chr22-50462707-G-A. GRCh37 (hg19) VCF-style: chr22-50901136-G-A.
Other names: c.1982C>T, p.Pro661Leu (NM_001365819.1); short protein forms P661L, P660L.
Identifiers: ClinVar variation 1376963 (VCV001376963.8), dbSNP rs777899824, ClinGen allele CA10317399.

ClinVar aggregate classification (germline): Uncertain significance (1 of 4 stars; one submission).

Allele frequency attached by ClinVar (database versions not stated): gnomAD exomes 0.00002; TOPMed 0.00002; ExAC 0.00003; gnomAD 0.00003.
gnomAD v4.1: 28 of 1,611,424 alleles (0.0017%); highest among the groups gnomAD compares: Non-Finnish European, 0.0023%; no homozygotes.

Submission:

Labcorp Genetics (formerly Invitae), Labcorp
Classification: Uncertain significance. Last evaluated: 2022-09-20. Review status: criteria provided, single submitter. Criteria: Invitae Variant Classification Sherloc (09022015). Collection method: clinical testing. Allele origin: germline.
Comment: In summary, the available evidence is currently insufficient to determine the role of this variant in disease. Therefore, it has been classified as a Variant of Uncertain Significance. Advanced modeling of protein sequence and biophysical properties (such as structural, functional, and spatial information, amino acid conservation, physicochemical variation, residue mobility, and thermodynamic stability) performed at Invitae indicates that this missense variant is not expected to disrupt SBF1 protein function. ClinVar contains an entry for this variant (Variation ID: 1376963). This variant has not been reported in the literature in individuals affected with SBF1-related conditions. This variant is present in population databases (rs777899824, gnomAD 0.004%). This sequence change replaces proline, which is neutral and non-polar, with leucine, which is neutral and non-polar, at codon 660 of the SBF1 protein (p.Pro660Leu).